The following is an entry in ClinVar:

NM_181552.4(CUX1):c.4440G>A (p.Lys1480=)

Gene: CUX1 (cut like homeobox 1; plus strand). Cytogenetic location: 7q22.1.
Variant type: single nucleotide variant.
Coding change: c.4440G>A on transcript NM_181552.4 (MANE Select); coding-DNA position 4440, G replaced by A.
Protein change: p.Lys1480=; no amino-acid change (lysine 1480 retained).
Molecular consequence: synonymous variant. On other transcripts: intron variant (5).
Genome position (GRCh38, 1-based): chr7:102,248,964, G>A. VCF-style: chr7-102248964-G-A. GRCh37 (hg19) VCF-style: chr7-101892244-G-A.
Other names: c.4473G>A, p.Lys1491= (NM_001202543.2); c.1256-24402G>A (NM_001913.5); c.1250-24402G>A (NM_181500.4); c.1118-24402G>A (NM_001202545.3); c.1208-24402G>A (NM_001202544.3); c.1139-24402G>A (NM_001202546.3).
Identifiers: ClinVar variation 2657878 (VCV002657878.25), dbSNP rs199822524, ClinGen allele CA4411541.
Genomic context (GRCh38, chr7:102,248,964, plus strand): 5'-CGGCCTCCCCGAGGCCGCGGGCGCCCGGGACTCGCGCGACAACCCCCTGCGCAAGAAGAA[G>A]GCCGCGAACTTGAACAGCATCATCCACCGCCTGGAGAAGGCCGCCAGCCGGGAGGAACCT-3'
Protein context (NP_853530.2, residues 1470-1490): DSRDNPLRKK[Lys1480=]AANLNSIIHR

ClinVar aggregate classification (germline): Likely benign. Review status: criteria provided, multiple submitters, no conflicts (2 of 4 stars). 2 submissions from 2 submitters: Likely benign (2). Last evaluated 2024-09-17.

Allele frequency attached by ClinVar (database versions not stated): ExAC 0.00005; TOPMed 0.00006; gnomAD 0.00007; 1000 Genomes Project 0.00020; 1000 Genomes Project 30x 0.00047.
gnomAD v4.1: 132 of 1,483,152 alleles (0.0089%); highest among the groups gnomAD compares: Middle Eastern, 0.42%; 1 homozygote.

Submissions (2):

Blueprint Genetics
Classification: Likely benign. Last evaluated: 2024-09-17. Review status: criteria provided, single submitter. Criteria: ACMG Guidelines, 2015. Collection method: clinical testing. Allele origin: germline.

CeGaT Center for Human Genetics Tuebingen
Classification: Likely benign. Last evaluated: 2022-09-01. Review status: criteria provided, single submitter. Criteria: CeGaT Center For Human Genetics Tuebingen Variant Classification Criteria Version 2. Collection method: clinical testing. Allele origin: germline. Affected: yes. Observed: 1 variant allele.
Comment: CUX1: BP4, BP7